The following is an entry in ClinVar:

NM_001354604.2(MITF):c.1557G>C (p.Met519Ile)

Gene: MITF (melanocyte inducing transcription factor; plus strand). Cytogenetic location: 3p13.
Variant type: single nucleotide variant.
Coding change: c.1557G>C on transcript NM_001354604.2 (MANE Select); coding-DNA position 1557, G replaced by C.
Protein change: p.Met519Ile; replaces methionine 519 with isoleucine.
Molecular consequence: missense variant.
Genome position (GRCh38, 1-based): chr3:69,965,224, G>C. VCF-style: chr3-69965224-G-C. GRCh37 (hg19) VCF-style: chr3-70014375-G-C.
Other names: c.1236G>C, p.Met412Ile (NM_000248.4); c.1383G>C, p.Met461Ile (NM_001184967.2, NM_001354608.2); c.1554G>C, p.Met518Ile (NM_001354605.2); c.1536G>C, p.Met512Ile (NM_001354606.2, NM_006722.3); c.1488G>C, p.Met496Ile (NM_001354607.2); c.1218G>C, p.Met406Ile (NM_198158.3); c.1539G>C, p.Met513Ile (NM_198159.3); c.1491G>C, p.Met497Ile (NM_198177.3); and 1 more; short protein forms M519I, M461I, M496I, M512I, M350I, M406I, M412I, M497I.
Identifiers: ClinVar variation 2921848 (VCV002921848.3), dbSNP rs2471673884, ClinGen allele CA353560090.

ClinVar aggregate classification (germline): Uncertain significance (1 of 4 stars; one submission).

Conditions:
Tietz syndrome (TADS). Also called: HYPOPIGMENTATION/DEAFNESS OF TIETZ; ALBINISM-DEAFNESS OF TIETZ; TIETZ ALBINISM-DEAFNESS SYNDROME. Identifiers: Orphanet 42665, MedGen C0391816, MONDO:0007077, OMIM 103500.
Melanoma, cutaneous malignant, susceptibility to, 8. Also called: Cutaneous malignant melanoma 8; MELANOMA AND RENAL CELL CARCINOMA, SUSCEPTIBILITY TO. Identifiers: Orphanet 293822, MedGen C3152204, MONDO:0013759, OMIM 614456.
Waardenburg syndrome type 2A (WS2A). Also called: WAARDENBURG SYNDROME WITHOUT DYSTOPIA CANTHORUM. Identifiers: Orphanet 3440, MedGen C1860339, MONDO:0008671, OMIM 193510.

Submission:

Labcorp Genetics (formerly Invitae), Labcorp
Classification: Uncertain significance for Melanoma, cutaneous malignant, susceptibility to, 8; Waardenburg syndrome type 2A; Tietz syndrome. Last evaluated: 2024-01-03. Review status: criteria provided, single submitter. Criteria: Invitae Variant Classification Sherloc (09022015). Collection method: clinical testing. Allele origin: germline.
Comment: This sequence change replaces methionine, which is neutral and non-polar, with isoleucine, which is neutral and non-polar, at codon 412 of the MITF protein (p.Met412Ile). This variant is not present in population databases (gnomAD no frequency). This variant has not been reported in the literature in individuals affected with MITF-related conditions. Advanced modeling of protein sequence and biophysical properties (such as structural, functional, and spatial information, amino acid conservation, physicochemical variation, residue mobility, and thermodynamic stability) performed at Invitae indicates that this missense variant is not expected to disrupt MITF protein function with a negative predictive value of 80%. In summary, the available evidence is currently insufficient to determine the role of this variant in disease. Therefore, it has been classified as a Variant of Uncertain Significance.